The following is an entry in ClinVar:

NM_014727.3(KMT2B):c.2519G>A (p.Gly840Asp)

Gene: KMT2B (lysine methyltransferase 2B; plus strand). Cytogenetic location: 19q13.12.
Variant type: single nucleotide variant.
Coding change: c.2519G>A on transcript NM_014727.3 (MANE Select); coding-DNA position 2519, G replaced by A.
Protein change: p.Gly840Asp; replaces glycine 840 with aspartic acid.
Molecular consequence: missense variant.
Genome position (GRCh38, 1-based): chr19:35,722,420, G>A. VCF-style: chr19-35722420-G-A. GRCh37 (hg19) VCF-style: chr19-36213322-G-A.
Other names: short protein forms G840D.
Identifiers: ClinVar variation 1334812 (VCV001334812.8), dbSNP rs373552415, ClinGen allele CA9384475.

ClinVar aggregate classification (germline): Uncertain significance. Review status: criteria provided, multiple submitters, no conflicts (2 of 4 stars). 2 submissions from 2 submitters: Uncertain significance (2). Last evaluated 2023-10-06.

Allele frequency attached by ClinVar (database versions not stated): ExAC 0.00004; gnomAD exomes 0.00004 and 0.00006; gnomAD 0.00005; TOPMed 0.00005; ESP Exome Variant Server 0.00016.
gnomAD v4.1: 93 of 1,610,558 alleles (0.0058%); highest among the groups gnomAD compares: Non-Finnish European, 0.0074%; no homozygotes.

Submissions (2):

Labcorp Genetics (formerly Invitae), Labcorp
Classification: Uncertain significance. Last evaluated: 2023-10-06. Review status: criteria provided, single submitter. Criteria: Invitae Variant Classification Sherloc (09022015). Collection method: clinical testing. Allele origin: germline.
Comment: This sequence change replaces glycine, which is neutral and non-polar, with aspartic acid, which is acidic and polar, at codon 840 of the KMT2B protein (p.Gly840Asp). This variant is present in population databases (rs373552415, gnomAD 0.008%). This variant has not been reported in the literature in individuals affected with KMT2B-related conditions. ClinVar contains an entry for this variant (Variation ID: 1334812). Advanced modeling of protein sequence and biophysical properties (such as structural, functional, and spatial information, amino acid conservation, physicochemical variation, residue mobility, and thermodynamic stability) has been performed at Invitae for this missense variant, however the output from this modeling did not meet the statistical confidence thresholds required to predict the impact of this variant on KMT2B protein function. In summary, the available evidence is currently insufficient to determine the role of this variant in disease. Therefore, it has been classified as a Variant of Uncertain Significance.

Genetic Services Laboratory, University of Chicago
Classification: Uncertain significance. Last evaluated: 2021-10-11. Review status: criteria provided, single submitter. Criteria: ACMG Guidelines, 2015. Collection method: clinical testing. Allele origin: germline. Affected: no.
Comment: DNA sequence analysis of the KMT2B gene demonstrated a sequence change, c.2519G>A, in exon 4 that results in an amino acid change, p.Gly840Asp. This sequence change does not appear to have been previously described in individuals with KMT2B-related disorders. This sequence change has been described in the gnomAD database with a frequency of 0.0089% in the non-Finnish European subpopulation (dbSNP rs373552415). The p.Gly840Asp change affects a poorly conserved amino acid residue located in a domain of the KMT2B protein that is not known to be functional. The p.Gly840Asp substitution appears to be benign using several in-silico pathogenicity prediction tools (SIFT, PolyPhen2, Align GVGD, REVEL). Due to insufficient evidence and the lack of functional studies, the clinical significance of the p.Gly840Asp change remains unknown at this time.